The following is an entry in ClinVar:

NM_001379500.1(COL18A1):c.3087+1G>T

Genes: COL18A1 (collagen type XVIII alpha 1 chain; plus strand), SLC19A1 (solute carrier family 19 member 1; minus strand). Cytogenetic location: 21q22.3.
Variant type: single nucleotide variant.
Coding change: c.3087+1G>T on transcript NM_001379500.1 (MANE Select); the canonical splice donor site of the intron after coding-DNA position 3087, G replaced by T.
Molecular consequence: splice donor variant.
Genome position (GRCh38, 1-based): chr21:45,505,432, G>T. VCF-style: chr21-45505432-G-T. GRCh37 (hg19) VCF-style: chr21-46925346-G-T.
Other names: NM_130445.3:c.3078+1G>T; c.4332+1G>T (NM_130444.3); c.3627+1G>T (NM_030582.4).
Identifiers: ClinVar variation 841199 (VCV000841199.8), dbSNP rs887282132, ClinGen allele CA410499804.

ClinVar aggregate classification (germline): Likely pathogenic (1 of 4 stars; one submission).

Allele frequency attached by ClinVar (database versions not stated): gnomAD 0.00001.
gnomAD v4.1: 2 of 1,530,330 alleles (0.00013%); highest among the groups gnomAD compares: Admixed American, 0.0018%; no homozygotes.

Submission:

Labcorp Genetics (formerly Invitae), Labcorp
Classification: Likely pathogenic. Last evaluated: 2025-06-11. Review status: criteria provided, single submitter. Criteria: Invitae Variant Classification Sherloc (09022015). Collection method: clinical testing. Allele origin: germline.
Comment: This sequence change affects a donor splice site in intron 36 of the COL18A1 gene. It is expected to disrupt RNA splicing. Variants that disrupt the donor or acceptor splice site typically lead to a loss of protein function (PMID: 16199547), and loss-of-function variants in COL18A1 are known to be pathogenic (PMID: 12415512, 25456301). This variant is not present in population databases (gnomAD no frequency). This variant has not been reported in the literature in individuals affected with COL18A1-related conditions. ClinVar contains an entry for this variant (Variation ID: 841199). Algorithms developed to predict the effect of sequence changes on RNA splicing suggest that this variant may disrupt the consensus splice site. In summary, the currently available evidence indicates that the variant is pathogenic, but additional data are needed to prove that conclusively. Therefore, this variant has been classified as Likely Pathogenic.

Literature cited by the submitters: PubMed 16199547; PubMed 12415512; PubMed 25456301.